The following is an entry in ClinVar:

ClinVar aggregate classification (germline): Uncertain significance (1 of 4 stars; one submission).

Conditions:
Emery-Dreifuss muscular dystrophy 5, autosomal dominant (EDMD5). Also called: EMERY-DREIFUSS MUSCULAR DYSTROPHY 5. Identifiers: Orphanet 261, MedGen C2751805, MONDO:0013072, OMIM 612999.

Allele frequency attached by ClinVar (database versions not stated): ExAC 0.00003; gnomAD 0.00004 and 0.00006; gnomAD exomes 0.00004 and 0.00005; TOPMed 0.00004.
gnomAD v4.1: 63 of 1,612,762 alleles (0.0039%); highest among the groups gnomAD compares: Non-Finnish European, 0.0045%; no homozygotes.

Submission:

Labcorp Genetics (formerly Invitae), Labcorp
Classification: Uncertain significance for Emery-Dreifuss muscular dystrophy 5, autosomal dominant. Last evaluated: 2025-12-15. Review status: criteria provided, single submitter. Criteria: Invitae Variant Classification Sherloc (09022015). Collection method: clinical testing. Allele origin: germline.
Comment: This sequence change falls in intron 80 of the SYNE2 gene. It does not directly change the encoded amino acid sequence of the SYNE2 protein. It affects a nucleotide within the consensus splice site. This variant is present in population databases (rs747632731, gnomAD 0.02%). This variant has not been reported in the literature in individuals affected with SYNE2-related conditions. ClinVar contains an entry for this variant (Variation ID: 582768). Variants that disrupt the consensus splice site are a relatively common cause of aberrant splicing (PMID: 17576681, 9536098). Algorithms developed to predict the effect of sequence changes on RNA splicing suggest that this variant is not likely to affect RNA splicing. In summary, the available evidence is currently insufficient to determine the role of this variant in disease. Therefore, it has been classified as a Variant of Uncertain Significance.

Literature cited by the submitters: PubMed 17576681; PubMed 9536098.

NM_182914.3(SYNE2):c.14976+3A>G

Gene: SYNE2 (spectrin repeat containing nuclear envelope protein 2; plus strand). Cytogenetic location: 14q23.2.
Variant type: single nucleotide variant.
Coding change: c.14976+3A>G on transcript NM_182914.3 (MANE Select); 3 bases into the intron after coding-DNA position 14976, A replaced by G.
Molecular consequence: intron variant.
Genome position (GRCh38, 1-based): chr14:64,140,076, A>G. VCF-style: chr14-64140076-A-G. GRCh37 (hg19) VCF-style: chr14-64606794-A-G.
Other names: c.14976+3A>G (NM_015180.6).
Identifiers: ClinVar variation 582768 (VCV000582768.7), dbSNP rs747632731, ClinGen allele CA7222927.